The following is an entry in ClinVar:

NM_000228.3(LAMB3):c.435_436del (p.Tyr146fs)

Gene: LAMB3 (laminin subunit beta 3; minus strand). Cytogenetic location: 1q32.2.
Variant type: Microsatellite.
Coding change: c.435_436del on transcript NM_000228.3 (MANE Select); coding-DNA positions 435 to 436, 2 bases deleted (GT; older notation c.435_436delGT).
Protein change: p.Tyr146fs; shifts the reading frame from tyrosine 146.
Molecular consequence: frameshift variant.
Genome position (GRCh38, 1-based): chr1:209,634,575-209,634,576, AC deleted on the plus strand (GT on the coding strand, the reverse complement: LAMB3 is on the minus strand); deleting any 2 consecutive bases within chr1:209,634,575-209,634,578 gives the same sequence; the c. name uses the placement nearest the transcript's 3' end. VCF-style (leftmost placement, unchanged base first): chr1-209634574-TAC-T. GRCh37 (hg19) VCF-style: chr1-209807919-TAC-T.
Other names: c.435_436del, p.Tyr146fs (NM_001017402.2, NM_001127641.1); short protein forms Y146fs.
Identifiers: ClinVar variation 1361158 (VCV001361158.7), dbSNP rs1666824858, ClinGen allele CA2484302774.

ClinVar aggregate classification (germline): Pathogenic/Likely pathogenic. Review status: criteria provided, multiple submitters, no conflicts (2 of 4 stars). 2 submissions from 2 submitters: Pathogenic (1); Likely pathogenic (1). Last evaluated 2024-06-03.

Conditions:
Amelogenesis imperfecta type 1A. Also called: Amelogenesis imperfecta, hypoplastic type; Amelogenesis imperfecta, type IA; AMELOGENESIS IMPERFECTA, HYPOPLASTIC TYPE IA; Amelogenesis imperfecta local hypoplastic. Identifiers: Orphanet 88661, MedGen C4011403, MONDO:0007094, OMIM 104530.
Junctional epidermolysis bullosa gravis of Herlitz. Also called: JEB-HERLITZ TYPE; EPIDERMOLYSIS BULLOSA JUNCTIONALIS, HERLITZ TYPE; EPIDERMOLYSIS BULLOSA, JUNCTIONAL, HERLITZ-PEARSON TYPE; EPIDERMOLYSIS BULLOSA, JUNCTIONAL 1B, SEVERE; Epidermolysis Bullosa Letalis; Herlitz-type junctional epidermolysis bullosa. Identifiers: Orphanet 79404, MedGen C0079683, MONDO:0009182, OMIM 226700.
Junctional epidermolysis bullosa, non-Herlitz type. Also called: COL17A1-Related Junctional Epidermolysis Bullosa; Epidermolysis bullosa, junctional, non-herlitz type, somatic mosaic revertant; EPIDERMOLYSIS BULLOSA JUNCTIONALIS, DISENTIS TYPE; EPIDERMOLYSIS BULLOSA JUNCTIONALIS, NON-HERLITZ TYPE; EPIDERMOLYSIS BULLOSA JUNCTIONALIS, PROGRESSIVE; EPIDERMOLYSIS BULLOSA JUNCTIONALIS, SEVERE NONLETHAL. Identifiers: Orphanet 251393, Orphanet 79402, Orphanet 79405, Orphanet 89840, MedGen C0268374, MONDO:0009180, OMIM 226650.

Submissions (2):

Fulgent Genetics
Classification: Likely pathogenic for Amelogenesis imperfecta type 1A; Junctional epidermolysis bullosa, non-Herlitz type; Junctional epidermolysis bullosa gravis of Herlitz. Last evaluated: 2024-06-03. Review status: criteria provided, single submitter. Criteria: ACMG Guidelines, 2015. Collection method: clinical testing. Allele origin: germline.

Labcorp Genetics (formerly Invitae), Labcorp
Classification: Pathogenic. Last evaluated: 2021-05-12. Review status: criteria provided, single submitter. Criteria: Invitae Variant Classification Sherloc (09022015). Collection method: clinical testing. Allele origin: germline.
Comment: This sequence change creates a premature translational stop signal (p.Tyr146Profs*35) in the LAMB3 gene. It is expected to result in an absent or disrupted protein product. Loss-of-function variants in LAMB3 are known to be pathogenic (PMID: 11023379, 16473856). For these reasons, this variant has been classified as Pathogenic. This variant has not been reported in the literature in individuals with LAMB3-related conditions. This variant is not present in population databases (ExAC no frequency).

Literature cited by the submitters: PubMed 11023379 (cited by Labcorp Genetics (formerly Invitae), Labcorp); PubMed 16473856 (cited by Labcorp Genetics (formerly Invitae), Labcorp).